The following is an entry in ClinVar:

NM_130466.4(UBE3B):c.3167G>A (p.Arg1056His)

Gene: UBE3B (ubiquitin protein ligase E3B; plus strand). Cytogenetic location: 12q24.11.
Variant type: single nucleotide variant.
Coding change: c.3167G>A on transcript NM_130466.4 (MANE Select); coding-DNA position 3167, G replaced by A.
Protein change: p.Arg1056His; replaces arginine 1056 with histidine.
Molecular consequence: missense variant.
Genome position (GRCh38, 1-based): chr12:109,534,742, G>A. VCF-style: chr12-109534742-G-A. GRCh37 (hg19) VCF-style: chr12-109972547-G-A.
Other names: c.3167G>A (NM_130466.2); c.3167G>A, p.Arg1056His (NM_183415.3); short protein forms R1056H.
Identifiers: ClinVar variation 2156228 (VCV002156228.5), dbSNP rs1337946234, ClinGen allele CA386632083.

ClinVar aggregate classification (germline): Uncertain significance. Review status: criteria provided, multiple submitters, no conflicts (2 of 4 stars). 2 submissions from 2 submitters: Uncertain significance (2). Last evaluated 2024-04-08.

Conditions:
Inborn genetic diseases. Identifiers: MedGen C0950123, MeSH D030342.

gnomAD v4.1: 6 of 1,589,110 alleles (0.00038%); highest among the groups gnomAD compares: African/African-American, 0.0013%; no homozygotes.

Submissions (2):

Labcorp Genetics (formerly Invitae), Labcorp
Classification: Uncertain significance. Last evaluated: 2024-04-08. Review status: criteria provided, single submitter. Criteria: Invitae Variant Classification Sherloc (09022015). Collection method: clinical testing. Allele origin: germline.
Comment: This sequence change replaces arginine, which is basic and polar, with histidine, which is basic and polar, at codon 1056 of the UBE3B protein (p.Arg1056His). This variant is present in population databases (no rsID available, gnomAD 0.002%). This variant has not been reported in the literature in individuals affected with UBE3B-related conditions. ClinVar contains an entry for this variant (Variation ID: 2156228). Advanced modeling of protein sequence and biophysical properties (such as structural, functional, and spatial information, amino acid conservation, physicochemical variation, residue mobility, and thermodynamic stability) has been performed at Invitae for this missense variant, however the output from this modeling did not meet the statistical confidence thresholds required to predict the impact of this variant on UBE3B protein function. In summary, the available evidence is currently insufficient to determine the role of this variant in disease. Therefore, it has been classified as a Variant of Uncertain Significance.

Ambry Genetics
Classification: Uncertain significance for Inborn genetic diseases. Last evaluated: 2022-02-11. Review status: criteria provided, single submitter. Criteria: Ambry Variant Classification Scheme 2023. Collection method: clinical testing. Allele origin: germline.